The following is an entry in ClinVar:

NM_001854.4(COL11A1):c.1246-6C>T

Gene: COL11A1 (collagen type XI alpha 1 chain; minus strand). Cytogenetic location: 1p21.1.
Variant type: single nucleotide variant.
Coding change: c.1246-6C>T on transcript NM_001854.4 (MANE Select); 6 bases into the intron before coding-DNA position 1246, C replaced by T.
Molecular consequence: intron variant.
Genome position (GRCh38, 1-based): chr1:103,021,775, G>A on the plus strand (C>T on the coding strand, the complement: COL11A1 is on the minus strand). VCF-style: chr1-103021775-G-A. GRCh37 (hg19) VCF-style: chr1-103487331-G-A.
Other names: c.1246-6C>T (NM_001854.3); c.1129-6C>T (NM_001190709.2); c.1282-6C>T (NM_080629.3); c.898-6C>T (NM_080630.4).
Identifiers: ClinVar variation 1202289 (VCV001202289.14), dbSNP rs199855455, ClinGen allele CA975060.

ClinVar aggregate classification (germline): Likely benign. Review status: criteria provided, multiple submitters, no conflicts (2 of 4 stars). 4 submissions from 4 submitters: Likely benign (3). 1 of the submissions does not count toward it. Last evaluated 2025-10-27.

Conditions:
COL11A1-related disorder. Also called: COL11A1-related condition; COL11A1-related disorders.

Allele frequency attached by ClinVar (database versions not stated): gnomAD exomes 0.00002 and 0.00005; ExAC 0.00005; gnomAD 0.00015 and 0.00016; 1000 Genomes Project 30x 0.00016; 1000 Genomes Project 0.00020; TOPMed 0.00026; ESP Exome Variant Server 0.00046.
gnomAD v4.1: 47 of 1,598,840 alleles (0.0029%); highest among the groups gnomAD compares: African/African-American, 0.058%; no homozygotes.

Submissions (4):

Labcorp Genetics (formerly Invitae), Labcorp
Classification: Likely benign. Last evaluated: 2025-10-27. Review status: criteria provided, single submitter. Criteria: Invitae Variant Classification Sherloc (09022015). Collection method: clinical testing. Allele origin: germline.

Blueprint Genetics
Classification: Likely benign. Last evaluated: 2022-06-22. Review status: criteria provided, single submitter. Criteria: ACMG Guidelines, 2015. Collection method: clinical testing. Allele origin: germline.

GeneDx
Classification: Likely benign. Last evaluated: 2020-07-29. Review status: criteria provided, single submitter. Criteria: GeneDx Variant Classification Process June 2021. Collection method: clinical testing. Allele origin: germline. Affected: yes.

PreventionGenetics, part of Exact Sciences
Classification: Likely benign for COL11A1-related condition. Last evaluated: 2021-08-16. Review status: no assertion criteria provided. Collection method: clinical testing. Allele origin: germline. Not counted in ClinVar's aggregate classification.
Comment: This variant is classified as likely benign based on ACMG/AMP sequence variant interpretation guidelines (Richards et al. 2015 PMID: 25741868, with internal and published modifications).